The following is an entry in ClinVar:

NM_000448.3(RAG1):c.2825C>T (p.Thr942Ile)

Gene: RAG1 (recombination activating 1; plus strand). Cytogenetic location: 11p12.
Variant type: single nucleotide variant.
Coding change: c.2825C>T on transcript NM_000448.3 (MANE Select); coding-DNA position 2825, C replaced by T.
Protein change: p.Thr942Ile; replaces threonine 942 with isoleucine.
Molecular consequence: missense variant.
Genome position (GRCh38, 1-based): chr11:36,576,129, C>T. VCF-style: chr11-36576129-C-T. GRCh37 (hg19) VCF-style: chr11-36597679-C-T.
Other names: c.2825C>T, p.Thr942Ile (NM_001377277.1, NM_001377278.1, NM_001377279.1 and 1 more transcripts); short protein forms T942I.
Identifiers: ClinVar variation 304507 (VCV000304507.10), dbSNP rs762625040, ClinGen allele CA5950326.
Genomic context (GRCh38, chr11:36,576,129, plus strand): 5'-TCCTTTCTACGAAGTTCAAGTATAGGTATGAGGGAAAAATCACCAATTATTTTCACAAAA[C>T]CCTGGCCCATGTTCCTGAAATTATTGAGAGGGATGGCTCCATTGGGGCATGGGCAAGTGA-3'
Protein context (NP_000439.2, residues 932-952): EGKITNYFHK[Thr942Ile]LAHVPEIIER

ClinVar aggregate classification (germline): Uncertain significance. Review status: criteria provided, multiple submitters, no conflicts (2 of 4 stars). 3 submissions from 2 submitters: Uncertain significance (3). Last evaluated 2021-09-17.

Conditions:
Histiocytic medullary reticulosis. Also called: SEVERE COMBINED IMMUNODEFICIENCY WITH HYPEREOSINOPHILIA; Omenn syndrome. Identifiers: Orphanet 39041, MedGen C2700553, MONDO:0011338, OMIM 603554.
Severe combined immunodeficiency, autosomal recessive, T cell-negative, B cell-negative, NK cell-positive. Also called: SCID, T CELL-NEGATIVE, B CELL-NEGATIVE, NK CELL-POSITIVE; SCID, AR, T-cell negative, B-cell negative, NK cell-positive; Severe combined immunodeficiency due to complete RAG1/2 deficiency. Identifiers: Orphanet 331206, MedGen C1832322, MONDO:0011086, OMIM 601457.
Combined immunodeficiency with skin granulomas. Identifiers: Orphanet 157949, MedGen C2673536, MONDO:0009306, OMIM 233650.

Allele frequency attached by ClinVar (database versions not stated): gnomAD exomes below 0.00001; ExAC 0.00001.

Submissions (3):

Labcorp Genetics (formerly Invitae), Labcorp
Classification: Uncertain significance for Combined immunodeficiency with skin granulomas; Severe combined immunodeficiency, autosomal recessive, T cell-negative, B cell-negative, NK cell-positive. Last evaluated: 2021-09-17. Review status: criteria provided, single submitter. Criteria: Invitae Variant Classification Sherloc (09022015). Collection method: clinical testing. Allele origin: germline.
Comment: This sequence change replaces threonine with isoleucine at codon 942 of the RAG1 protein (p.Thr942Ile). The threonine residue is highly conserved and there is a moderate physicochemical difference between threonine and isoleucine. This variant is present in population databases (rs762625040, ExAC 0.009%). This variant has not been reported in the literature in individuals affected with RAG1-related conditions. ClinVar contains an entry for this variant (Variation ID: 304507). Advanced modeling of protein sequence and biophysical properties (such as structural, functional, and spatial information, amino acid conservation, physicochemical variation, residue mobility, and thermodynamic stability) performed at Invitae indicates that this missense variant is expected to disrupt RAG1 protein function. In summary, the available evidence is currently insufficient to determine the role of this variant in disease. Therefore, it has been classified as a Variant of Uncertain Significance.

Illumina Laboratory Services, Illumina
Classification: Uncertain significance for Severe combined immunodeficiency, autosomal recessive, T cell-negative, B cell-negative, NK cell-positive. Last evaluated: 2018-01-12. Review status: criteria provided, single submitter. Criteria: ICSL Variant Classification Criteria 13 December 2019. Collection method: clinical testing. Allele origin: germline.

Illumina Laboratory Services, Illumina
Classification: Uncertain significance for Histiocytic medullary reticulosis. Last evaluated: 2018-01-12. Review status: criteria provided, single submitter. Criteria: ICSL Variant Classification Criteria 13 December 2019. Collection method: clinical testing. Allele origin: germline.